The following is an entry in ClinVar:

NM_001042492.3(NF1):c.654G>A (p.Lys218=)

Gene: NF1 (neurofibromin 1; plus strand). Cytogenetic location: 17q11.2.
Variant type: single nucleotide variant.
Coding change: c.654G>A on transcript NM_001042492.3 (MANE Select); coding-DNA position 654, G replaced by A.
Protein change: p.Lys218=; no amino-acid change (lysine 218 retained).
Molecular consequence: synonymous variant.
Genome position (GRCh38, 1-based): chr17:31,181,489, G>A. VCF-style: chr17-31181489-G-A. GRCh37 (hg19) VCF-style: chr17-29508507-G-A.
Other names: c.654G>A, p.Lys218= (NM_000267.4, NM_001128147.3).
Identifiers: ClinVar variation 3237888 (VCV003237888.1), dbSNP rs2143774745.

ClinVar aggregate classification (germline): Uncertain significance (1 of 4 stars; one submission).

Conditions:
Hereditary cancer-predisposing syndrome. Also called: Neoplastic Syndromes, Hereditary; Tumor predisposition; Hereditary neoplastic syndrome; Hereditary Cancer Syndrome. Identifiers: Orphanet 140162, MedGen C0027672, MeSH D009386, MONDO:0015356.
Cardiovascular phenotype. Identifiers: MedGen CN230736.

Submission:

Ambry Genetics
Classification: Uncertain significance for Cardiovascular phenotype; Hereditary cancer-predisposing syndrome. Last evaluated: 2023-09-13. Review status: criteria provided, single submitter. Criteria: Ambry Variant Classification Scheme 2023. Collection method: clinical testing. Allele origin: germline.
Comment: The c.654G>A variant (also known as p.K218K), located in coding exon 6 of the NF1 gene, results from a G to A substitution at nucleotide position 654. This nucleotide substitution does not change the at codon 218. However, this change occurs in the last base pair of coding exon 6, which makes it likely to have some effect on normal mRNA splicing. This nucleotide position is not well conserved in available vertebrate species. In silico splice site analysis predicts that this alteration will not have any significant effect on splicing. Since supporting evidence is limited at this time, the clinical significance of this alteration remains unclear.